The following is an entry in ClinVar:

ClinVar aggregate classification (germline): Pathogenic/Likely pathogenic. Review status: criteria provided, multiple submitters, no conflicts (2 of 4 stars). 2 submissions from 2 submitters: Pathogenic (1); Likely pathogenic (1). Last evaluated 2024-02-20.

Conditions:
Usher syndrome type 1F (USH1F). Also called: USHER SYNDROME, TYPE IF. Identifiers: Orphanet 231169, Orphanet 886, MedGen C1865885, MONDO:0011186, OMIM 602083.

Submissions (2):

Natera, Inc.
Classification: Likely pathogenic for Usher syndrome type 1F. Last evaluated: 2024-02-20. Review status: criteria provided, single submitter. Criteria: Natera Variant Classification Schema (03/2026). Collection method: clinical testing. Allele origin: germline.
Comment: The c.1194delC variant in PCDH15 is a frameshift variant predicted to shift the reading frame beginning at codon 399 and leads to a stop codon 22 codons downstream. This variant is expected to result in nonsense mediated decay, truncation, or a dysfunctional protein product. This variant is rare in the general population with a frequency below the threshold expected for the associated phenotype(s). Given the available evidence, this variant is classified as Likely Pathogenic.

Labcorp Genetics (formerly Invitae), Labcorp
Classification: Pathogenic. Last evaluated: 2024-01-08. Review status: criteria provided, single submitter. Criteria: Invitae Variant Classification Sherloc (09022015). Collection method: clinical testing. Allele origin: germline.
Comment: This sequence change creates a premature translational stop signal (p.Ser399Valfs*22) in the PCDH15 gene. It is expected to result in an absent or disrupted protein product. Loss-of-function variants in PCDH15 are known to be pathogenic (PMID: 11398101, 11487575, 14570705). This variant is not present in population databases (gnomAD no frequency). This variant has not been reported in the literature in individuals affected with PCDH15-related conditions. ClinVar contains an entry for this variant (Variation ID: 2034035). For these reasons, this variant has been classified as Pathogenic.

Literature cited by the submitters: PubMed 11398101 (cited by Labcorp Genetics (formerly Invitae), Labcorp); PubMed 11487575 (cited by Labcorp Genetics (formerly Invitae), Labcorp); PubMed 14570705 (cited by Labcorp Genetics (formerly Invitae), Labcorp).

NM_001384140.1(PCDH15):c.1194del (p.Ser399fs)

Gene: PCDH15 (protocadherin related 15; minus strand). Cytogenetic location: 10q21.1.
Variant type: Deletion.
Coding change: c.1194del on transcript NM_001384140.1 (MANE Select); coding-DNA position 1194, one base deleted (C; older notation c.1194delC).
Protein change: p.Ser399fs; shifts the reading frame from serine 399.
Molecular consequence: frameshift variant.
Genome position (GRCh38, 1-based): chr10:54,195,794, G deleted on the plus strand (C on the coding strand, the reverse complement: PCDH15 is on the minus strand); the first of 3 consecutive G bases (chr10:54,195,794-54,195,796); deleting any one gives the same sequence. VCF-style (leftmost placement, unchanged base first): chr10-54195793-TG-T. GRCh37 (hg19) VCF-style: chr10-55955553-TG-T.
Other names: c.1209del, p.Ser404fs (NM_001142763.2, NM_001142771.2); c.1194del, p.Ser399fs (NM_001142764.2, NM_001142765.2, NM_001142766.2 and 7 more transcripts); c.1083del, p.Ser362fs (NM_001142767.2); c.1128del, p.Ser377fs (NM_001142768.2, NM_001142773.2, NM_001354404.2); c.1207delC, p.Ser404Valfs (NM_001142769.4); short protein forms S399fs, S404fs, S362fs, S377fs.
Identifiers: ClinVar variation 2034035 (VCV002034035.5), dbSNP rs2539682034, ClinGen allele CA2580081636.
Genomic context (GRCh38, chr10:54,195,793, plus strand): 5'-TGAGACTGTCCGAAATGGTTGCTCCCACTGGGGCAGATTCCAGGATATAGCCTTGATAAC[TG>T]GGCATTGTAAAATATGGACTTTGATTGTTTTCATCCAGTATTTCAATGTGTAGACCGGCA-3'